The following is an entry in ClinVar:

NM_003072.5(SMARCA4):c.2275-16_2275-15delinsTT

Gene: SMARCA4 (SWI/SNF related BAF chromatin remodeling complex subunit ATPase 4; plus strand). Cytogenetic location: 19p13.2.
Variant type: Indel.
Coding change: c.2275-16_2275-15delinsTT on transcript NM_003072.5 (MANE Select); 16 bases into the intron before coding-DNA position 2275 through 15 bases into the intron before coding-DNA position 2275, GC replaced by TT.
Molecular consequence: intron variant.
Genome position (GRCh38, 1-based): chr19:11,012,933-11,012,934, GC replaced by TT. VCF-style: chr19-11012933-GC-TT. GRCh37 (hg19) VCF-style: chr19-11123609-GC-TT.
Other names: c.2275-16_2275-15delinsTT (NM_001128844.3, NM_001128849.3, NM_001128847.4 and 6 more transcripts).
Identifiers: ClinVar variation 4720560 (VCV004720560.2).

ClinVar aggregate classification (germline): Conflicting classifications of pathogenicity. Review status: criteria provided, conflicting classifications (1 of 4 stars). 2 submissions from 2 submitters: Uncertain significance (1); Likely benign (1). Last evaluated 2026-07-07.

Conditions:
Rhabdoid tumor predisposition syndrome 2 (RTPS2). Identifiers: Orphanet 231108, Orphanet 69077, MedGen C2750074, MONDO:0013224, OMIM 613325.

Submissions (2):

Myriad Genetics, Inc.
Classification: Likely benign for Rhabdoid tumor predisposition syndrome 2. Last evaluated: 2026-07-07. Review status: criteria provided, single submitter. Criteria: Myriad Autosomal Dominant, Autosomal Recessive and X-Linked Classification Criteria (2023). Collection method: clinical testing. Allele origin: unknown.
Comment: This variant is considered likely benign. This variant is intronic and is not expected to impact mRNA splicing.

Labcorp Genetics (formerly Invitae), Labcorp
Classification: Uncertain significance for Rhabdoid tumor predisposition syndrome 2. Last evaluated: 2025-06-01. Review status: criteria provided, single submitter. Criteria: Invitae Variant Classification Sherloc (09022015). Collection method: clinical testing. Allele origin: germline.
Comment: This sequence change falls in intron 15 of the SMARCA4 gene. It does not directly change the encoded amino acid sequence of the SMARCA4 protein. Information on the frequency of this variant in the gnomAD database is not available, as this variant may be reported differently in the database. This variant has not been reported in the literature in individuals affected with SMARCA4-related conditions. Experimental studies and prediction algorithms are not available or were not evaluated, and the effect of this variant on mRNA splicing is currently unknown. In summary, the available evidence is currently insufficient to determine the role of this variant in disease. Therefore, it has been classified as a Variant of Uncertain Significance.